The following is an entry in ClinVar:

NM_001563.4(IMPG1):c.2185C>T (p.Leu729Phe)

Gene: IMPG1 (interphotoreceptor matrix proteoglycan 1; minus strand). Cytogenetic location: 6q14.1.
Variant type: single nucleotide variant.
Coding change: c.2185C>T on transcript NM_001563.4 (MANE Select); coding-DNA position 2185, C replaced by T.
Protein change: p.Leu729Phe; replaces leucine 729 with phenylalanine.
Molecular consequence: missense variant.
Genome position (GRCh38, 1-based): chr6:75,931,011, G>A on the plus strand (C>T on the coding strand, the complement: IMPG1 is on the minus strand). VCF-style: chr6-75931011-G-A. GRCh37 (hg19) VCF-style: chr6-76640728-G-A.
Other names: c.1951C>T, p.Leu651Phe (NM_001282368.2); c.2185C>T (NM_001563.3); short protein forms L651F, L729F.
Identifiers: ClinVar variation 1916020 (VCV001916020.6), dbSNP rs779962148, ClinGen allele CA3897908.

ClinVar aggregate classification (germline): Uncertain significance. Review status: criteria provided, multiple submitters, no conflicts (2 of 4 stars). 2 submissions from 2 submitters: Uncertain significance (2). Last evaluated 2025-09-13.

Conditions:
IMPG1-related disorder. Also called: IMPG1-related condition.

Allele frequency attached by ClinVar (database versions not stated): ExAC 0.00001; gnomAD exomes 0.00001; TOPMed 0.00002.
gnomAD v4.1: 13 of 1,614,220 alleles (0.00081%); highest among the groups gnomAD compares: Non-Finnish European, 0.00025%; no homozygotes.

Submissions (2):

PreventionGenetics, part of Exact Sciences
Classification: Uncertain significance for IMPG1-related condition. Last evaluated: 2025-09-13. Review status: criteria provided, single submitter. Criteria: ACMG Guidelines, 2015. Collection method: clinical testing. Allele origin: germline.
Comment: The IMPG1 c.2185C>T variant is predicted to result in the amino acid substitution p.Leu729Phe. To our knowledge, this variant has not been reported in the literature. This variant is reported in 0.00088% of alleles in individuals of European (Non-Finnish) descent in gnomAD. At this time, the clinical significance of this variant is uncertain due to the absence of conclusive functional and genetic evidence.

Labcorp Genetics (formerly Invitae), Labcorp
Classification: Uncertain significance. Last evaluated: 2025-03-10. Review status: criteria provided, single submitter. Criteria: Invitae Variant Classification Sherloc (09022015). Collection method: clinical testing. Allele origin: germline.
Comment: This sequence change replaces leucine, which is neutral and non-polar, with phenylalanine, which is neutral and non-polar, at codon 729 of the IMPG1 protein (p.Leu729Phe). This variant is present in population databases (rs779962148, gnomAD 0.0009%). This variant has not been reported in the literature in individuals affected with IMPG1-related conditions. ClinVar contains an entry for this variant (Variation ID: 1916020). An algorithm developed to predict the effect of missense changes on protein structure and function outputs the following: PolyPhen-2: "Benign". The phenylalanine amino acid residue is found in multiple mammalian species, which suggests that this missense change does not adversely affect protein function. In summary, the available evidence is currently insufficient to determine the role of this variant in disease. Therefore, it has been classified as a Variant of Uncertain Significance.